The following is an entry in ClinVar:

ClinVar aggregate classification (germline): Likely pathogenic (1 of 4 stars; one submission).

Conditions:
Neurohypophyseal diabetes insipidus. Also called: Diabetes Insipidus, Neurogenic; DIABETES INSIPIDUS, PRIMARY CENTRAL; Hereditary arginine vasopressin deficiency. Identifiers: Orphanet 178029, Orphanet 30925, MedGen C0342394, MONDO:0007450, OMIM 125700.

Submission:

MVZ Medizinische Genetik Mainz
Classification: Likely pathogenic for Neurohypophyseal diabetes insipidus. Last evaluated: 2021-10-05. Review status: criteria provided, single submitter. Criteria: UK Practice Guidelines For Variant Classification V4 01 2020. Collection method: clinical testing. Allele origin: germline. Inheritance: Autosomal dominant inheritance. Affected: yes. Observed: 1 variant allele.
Comment: ACMG Criteria: PM1_STR, PM5_SUP, PM2_SUP, PP3, PP4

NM_000490.5(AVP):c.328T>A (p.Cys110Ser)

Gene: AVP (arginine vasopressin; minus strand). Cytogenetic location: 20p13.
Variant type: single nucleotide variant.
Coding change: c.328T>A on transcript NM_000490.5 (MANE Select); coding-DNA position 328, T replaced by A.
Protein change: p.Cys110Ser; replaces cysteine 110 with serine.
Molecular consequence: missense variant.
Genome position (GRCh38, 1-based): chr20:3,082,797, A>T on the plus strand (T>A on the coding strand, the complement: AVP is on the minus strand). VCF-style: chr20-3082797-A-T. GRCh37 (hg19) VCF-style: chr20-3063443-A-T.
Other names: short protein forms C110S.
Identifiers: ClinVar variation 3236029 (VCV003236029.1), dbSNP rs2517099578, ClinGen allele CA408061438.